The following is an entry in ClinVar:

NM_006096.4(NDRG1):c.1095C>T (p.His365=)

Gene: NDRG1 (N-myc downstream regulated 1; minus strand). Cytogenetic location: 8q24.22.
Variant type: single nucleotide variant.
Coding change: c.1095C>T on transcript NM_006096.4 (MANE Select); coding-DNA position 1095, C replaced by T.
Protein change: p.His365=; no amino-acid change (histidine 365 retained).
Molecular consequence: synonymous variant.
Genome position (GRCh38, 1-based): chr8:133,238,968, G>A on the plus strand (C>T on the coding strand, the complement: NDRG1 is on the minus strand). VCF-style: chr8-133238968-G-A. GRCh37 (hg19) VCF-style: chr8-134251211-G-A.
Other names: c.1095C>T, p.His365= (NM_001135242.2, NM_001374845.1, NM_001374846.1); c.897C>T, p.His299= (NM_001258432.2, NM_001374847.1); c.852C>T, p.His284= (NM_001258433.2); c.1146C>T, p.His382= (NM_001374844.1).
Identifiers: ClinVar variation 510572 (VCV000510572.11), dbSNP rs1278753145, ClinGen allele CA463217083.
Genomic context (GRCh38, chr8:133,238,968, plus strand): 5'-GGCGCTGTTCCCAGCAGCACCCGAGTTGGGGGTGATGTCCAGGTGGGCCCCCTCGCTGGT[G>A]TGCGAGCGGCTGCGGGTGCCCTCGCTGGTGTGGGAGCGGCTTCGGGTGCCCTCGCTGGTG-3'
Protein context (NP_006087.2, residues 355-375): HTSEGTRSRS[His365=]TSEGAHLDIT

ClinVar aggregate classification (germline): Likely benign. Review status: criteria provided, multiple submitters, no conflicts (2 of 4 stars). 4 submissions from 4 submitters: Likely benign (4). Last evaluated 2025-04-01.

Conditions:
Inborn genetic diseases. Identifiers: MedGen C0950123, MeSH D030342.
Charcot-Marie-Tooth disease type 4. Also called: Charcot-Marie-Tooth disease, type IV; Charcot-Marie-Tooth, Type 4. Identifiers: Orphanet 64749, MedGen C4082197, MONDO:0018995.
Charcot-Marie-Tooth disease type 4D. Also called: Charcot-Marie-Tooth Neuropathy Type 4D; NEUROPATHY, HEREDITARY MOTOR AND SENSORY, LOM TYPE; CHARCOT-MARIE-TOOTH DISEASE, DEMYELINATING, AUTOSOMAL RECESSIVE, TYPE 4D; CHARCOT-MARIE-TOOTH DISEASE, DEMYELINATING, TYPE 4D. Identifiers: Orphanet 99950, MedGen C1832334, MONDO:0011085, OMIM 601455.

Allele frequency attached by ClinVar (database versions not stated): gnomAD exomes below 0.00001.
gnomAD v4.1: 6 of 1,587,774 alleles (0.00038%); highest among the groups gnomAD compares: East Asian, 0.0023%; no homozygotes.

Submissions (4):

ARUP Laboratories, Molecular Genetics and Genomics, ARUP Laboratories
Classification: Likely benign for Charcot-Marie-Tooth disease type 4D. Last evaluated: 2025-04-01. Review status: criteria provided, single submitter. Criteria: ARUP Molecular Germline Variant Investigation Process 2024. Collection method: clinical testing. Allele origin: germline.

Labcorp Genetics (formerly Invitae), Labcorp
Classification: Likely benign for Charcot-Marie-Tooth disease type 4. Last evaluated: 2023-06-17. Review status: criteria provided, single submitter. Criteria: Invitae Variant Classification Sherloc (09022015). Collection method: clinical testing. Allele origin: germline.

Ambry Genetics
Classification: Likely benign for Inborn genetic diseases. Last evaluated: 2019-07-11. Review status: criteria provided, single submitter. Criteria: Ambry Variant Classification Scheme 2023. Collection method: clinical testing. Allele origin: germline.

GeneDx
Classification: Likely benign. Last evaluated: 2017-06-28. Review status: criteria provided, single submitter. Criteria: GeneDx Variant Classification (06012015). Collection method: clinical testing. Allele origin: germline. Affected: yes.
Comment: This variant is considered likely benign or benign based on one or more of the following criteria: it is a conservative change, it occurs at a poorly conserved position in the protein, it is predicted to be benign by multiple in silico algorithms, and/or has population frequency not consistent with disease.